The following is an entry in ClinVar:

NM_001271.4(CHD2):c.5162A>G (p.His1721Arg)

Gene: CHD2 (chromodomain helicase DNA binding protein 2; plus strand). Cytogenetic location: 15q26.1.
Variant type: single nucleotide variant.
Coding change: c.5162A>G on transcript NM_001271.4 (MANE Select); coding-DNA position 5162, A replaced by G.
Protein change: p.His1721Arg; replaces histidine 1721 with arginine.
Molecular consequence: missense variant.
Genome position (GRCh38, 1-based): chr15:93,024,380, A>G. VCF-style: chr15-93024380-A-G. GRCh37 (hg19) VCF-style: chr15-93567610-A-G.
Other names: short protein forms H1721R.
Identifiers: ClinVar variation 1675587 (VCV001675587.33), dbSNP rs2054568715, ClinGen allele CA393908190.
Genomic context (GRCh38, chr15:93,024,380, plus strand): 5'-GGATGGGAATCTGGCTTCAGTCTTTCGACTAATCCTTGCATCTCTATTTCAGGCACCATC[A>G]TGACTCCAAGCGGAGGAGATCCGATGAATTTAGGCCTCAAAATTACCACCAGCAGGATTT-3'
Protein context (NP_001262.3, residues 1711-1731): GHRDYYDRHH[His1721Arg]DSKRRRSDEF

ClinVar aggregate classification (germline): Uncertain significance (1 of 4 stars; one submission).

Allele frequency attached by ClinVar (database versions not stated): gnomAD exomes below 0.00001.
gnomAD v4.1: 1 of 1,612,678 alleles (0.000062%); highest among the groups gnomAD compares: Non-Finnish European, 0.000085%; no homozygotes.

Submission:

CeGaT Center for Human Genetics Tuebingen
Classification: Uncertain significance. Last evaluated: 2022-03-01. Review status: criteria provided, single submitter. Criteria: CeGaT Center For Human Genetics Tuebingen Variant Classification Criteria Version 2. Collection method: clinical testing. Allele origin: germline. Affected: yes. Observed: 1 variant allele.
Comment: CHD2: PM2, PP3